The following is an entry in ClinVar:

NM_032578.4(MYPN):c.2195C>G (p.Thr732Ser)

Gene: MYPN (myopalladin; plus strand). Cytogenetic location: 10q21.3.
Variant type: single nucleotide variant.
Coding change: c.2195C>G on transcript NM_032578.4 (MANE Select); coding-DNA position 2195, C replaced by G.
Protein change: p.Thr732Ser; replaces threonine 732 with serine.
Molecular consequence: missense variant. On other transcripts: non-coding transcript variant (2).
Genome position (GRCh38, 1-based): chr10:68,174,287, C>G. VCF-style: chr10-68174287-C-G. GRCh37 (hg19) VCF-style: chr10-69934044-C-G.
Other names: c.2195C>G, p.Thr732Ser (NM_001256267.2); c.1313C>G, p.Thr438Ser (NM_001256268.2); short protein forms T438S, T732S.
Identifiers: ClinVar variation 3877260 (VCV003877260.1).
Genomic context (GRCh38, chr10:68,174,287, plus strand): 5'-CTCCTTCATCACAGACGTTCAGCTTGGCCCGGCCGAAGTATTTCTTCCCCTCCACGAACA[C>G]CACCGCAGCAACTGTGGCCCCTTCCAGCTCTCCGGTGTTCACTTTGAGCAGCACTCCTCA-3'
Protein context (NP_115967.2, residues 722-742): RPKYFFPSTN[Thr732Ser]TAATVAPSSS

ClinVar aggregate classification (germline): Uncertain significance (1 of 4 stars; one submission).

Conditions:
Cardiovascular phenotype. Identifiers: MedGen CN230736.

Submission:

Ambry Genetics
Classification: Uncertain significance for Cardiovascular phenotype. Last evaluated: 2025-02-22. Review status: criteria provided, single submitter. Criteria: Ambry Variant Classification Scheme 2023. Collection method: clinical testing. Allele origin: germline.
Comment: The p.T732S variant (also known as c.2195C>G), located in coding exon 10 of the MYPN gene, results from a C to G substitution at nucleotide position 2195. The threonine at codon 732 is replaced by serine, an amino acid with similar properties. This amino acid position is conserved. In addition, this alteration is predicted to be tolerated by in silico analysis. Based on the available evidence, the clinical significance of this variant remains unclear.